The following is an entry in ClinVar:

ClinVar aggregate classification (germline): Uncertain significance. Review status: criteria provided, multiple submitters, no conflicts (2 of 4 stars). 3 submissions from 3 submitters: Uncertain significance (3). Last evaluated 2025-08-20.

Conditions:
Tuberous sclerosis 2 (TSC2). Identifiers: Orphanet 805, MedGen C1860707, MONDO:0013199, OMIM 613254.
Hereditary cancer-predisposing syndrome. Also called: Hereditary neoplastic syndrome; Hereditary Cancer Syndrome; Tumor predisposition; Neoplastic Syndromes, Hereditary. Identifiers: Orphanet 140162, MedGen C0027672, MeSH D009386, MONDO:0015356.

Submissions (3):

Ambry Genetics
Classification: Uncertain significance for Hereditary cancer-predisposing syndrome. Last evaluated: 2025-08-20. Review status: criteria provided, single submitter. Criteria: Ambry Variant Classification Scheme 2023. Collection method: clinical testing. Allele origin: germline.
Comment: The p.V920I variant (also known as c.2758G>A), located in coding exon 24 of the TSC2 gene, results from a G to A substitution at nucleotide position 2758. The valine at codon 920 is replaced by isoleucine, an amino acid with highly similar properties. This amino acid position is well conserved in available vertebrate species. In addition, the in silico prediction for this alteration is inconclusive. Based on the available evidence, the clinical significance of this variant remains unclear.

Labcorp Genetics (formerly Invitae), Labcorp
Classification: Uncertain significance for Tuberous sclerosis 2. Last evaluated: 2024-01-02. Review status: criteria provided, single submitter. Criteria: Invitae Variant Classification Sherloc (09022015). Collection method: clinical testing. Allele origin: germline.
Comment: This sequence change replaces valine, which is neutral and non-polar, with isoleucine, which is neutral and non-polar, at codon 920 of the TSC2 protein (p.Val920Ile). This variant is not present in population databases (gnomAD no frequency). This variant has not been reported in the literature in individuals affected with TSC2-related conditions. ClinVar contains an entry for this variant (Variation ID: 1364357). Advanced modeling of protein sequence and biophysical properties (such as structural, functional, and spatial information, amino acid conservation, physicochemical variation, residue mobility, and thermodynamic stability) performed at Invitae indicates that this missense variant is not expected to disrupt TSC2 protein function with a negative predictive value of 95%. In summary, the available evidence is currently insufficient to determine the role of this variant in disease. Therefore, it has been classified as a Variant of Uncertain Significance.

Blueprint Genetics
Classification: Uncertain significance. Last evaluated: 2020-10-08. Review status: criteria provided, single submitter. Criteria: ACMG Guidelines, 2015. Collection method: clinical testing. Allele origin: germline.

NM_000548.5(TSC2):c.2758G>A (p.Val920Ile)

Gene: TSC2 (TSC complex subunit 2; plus strand). Cytogenetic location: 16p13.3.
Variant type: single nucleotide variant.
Coding change: c.2758G>A on transcript NM_000548.5 (MANE Select); coding-DNA position 2758, G replaced by A.
Protein change: p.Val920Ile; replaces valine 920 with isoleucine.
Molecular consequence: missense variant.
Genome position (GRCh38, 1-based): chr16:2,076,506, G>A. VCF-style: chr16-2076506-G-A. GRCh37 (hg19) VCF-style: chr16-2126507-G-A.
Other names: c.2758G>A, p.Val920Ile (NM_001114382.3, NM_001363528.2, NM_001370404.1 and 3 more transcripts); c.2647G>A, p.Val883Ile (NM_001318827.2); c.2611G>A, p.Val871Ile (NM_001318829.2); c.2158G>A, p.Val720Ile (NM_001318831.2); c.2791G>A, p.Val931Ile (NM_001318832.2); c.2758G>A (NM_000548.3); short protein forms V883I, V920I, V720I, V871I, V931I.
Identifiers: ClinVar variation 1364357 (VCV001364357.11), dbSNP rs2151394156, ClinGen allele CA394279832.